The following is an entry in ClinVar:

ClinVar aggregate classification (germline): Likely benign. Review status: criteria provided, multiple submitters, no conflicts (2 of 4 stars). 2 submissions from 2 submitters: Likely benign (2). Last evaluated 2025-04-15.

Conditions:
CEP164-related disorder. Also called: CEP164-related condition.
Nephronophthisis 15 (NPHP15). Identifiers: Orphanet 3156, MedGen C3541853, MONDO:0013917, OMIM 614845.

Allele frequency attached by ClinVar (database versions not stated): gnomAD 0.00001; gnomAD exomes 0.00001.
gnomAD v4.1: 11 of 1,613,364 alleles (0.00068%); highest among the groups gnomAD compares: African/African-American, 0.0013%; no homozygotes.

Submissions (2):

PreventionGenetics, part of Exact Sciences
Classification: Likely benign for CEP164-related condition. Last evaluated: 2025-04-15. Review status: criteria provided, single submitter. Criteria: ACMG Guidelines, 2015. Collection method: clinical testing. Allele origin: germline.
Comment: This variant is classified as likely benign based on ACMG/AMP sequence variant interpretation guidelines (Richards et al. 2015 PMID: 25741868, with internal and published modifications).

Labcorp Genetics (formerly Invitae), Labcorp
Classification: Likely benign for Nephronophthisis 15. Last evaluated: 2023-12-21. Review status: criteria provided, single submitter. Criteria: Invitae Variant Classification Sherloc (09022015). Collection method: clinical testing. Allele origin: germline.

NM_014956.5(CEP164):c.2229A>G (p.Ala743=)

Gene: CEP164 (centrosomal protein 164; plus strand). Cytogenetic location: 11q23.3.
Variant type: single nucleotide variant.
Coding change: c.2229A>G on transcript NM_014956.5 (MANE Select); coding-DNA position 2229, A replaced by G.
Protein change: p.Ala743=; no amino-acid change (alanine 743 retained).
Molecular consequence: synonymous variant.
Genome position (GRCh38, 1-based): chr11:117,391,161, A>G. VCF-style: chr11-117391161-A-G. GRCh37 (hg19) VCF-style: chr11-117261877-A-G.
Other names: c.2238A>G, p.Ala746= (NM_001271933.2); c.2229A>G (NM_014956.4).
Identifiers: ClinVar variation 1903051 (VCV001903051.6), dbSNP rs1025660781, ClinGen allele CA229357515.